The following is an entry in ClinVar:

NM_002878.4(RAD51D):c.959G>T (p.Ser320Ile)

Genes: RAD51L3-RFFL (RAD51L3-RFFL readthrough; minus strand), RAD51D (RAD51 paralog D; minus strand). Cytogenetic location: 17q12.
Variant type: single nucleotide variant.
Coding change: c.959G>T on transcript NM_002878.4 (MANE Select); coding-DNA position 959, G replaced by T.
Protein change: p.Ser320Ile; replaces serine 320 with isoleucine.
Molecular consequence: missense variant. On other transcripts: non-coding transcript variant (2).
Genome position (GRCh38, 1-based): chr17:35,100,981, C>A on the plus strand (G>T on the coding strand, the complement: RAD51D is on the minus strand). VCF-style: chr17-35100981-C-A. GRCh37 (hg19) VCF-style: chr17-33428000-C-A.
Other names: c.1019G>T, p.Ser340Ile (NM_001142571.2); c.623G>T, p.Ser208Ile (NM_133629.3); short protein forms S320I, S340I, S208I.
Identifiers: ClinVar variation 480539 (VCV000480539.14), dbSNP rs763683070, ClinGen allele CA8499305.

ClinVar aggregate classification (germline): Uncertain significance. Review status: criteria provided, multiple submitters, no conflicts (2 of 4 stars). 4 submissions from 4 submitters: Uncertain significance (4). Last evaluated 2025-08-27.

Conditions:
Familial ovarian cancer. Identifiers: MedGen C5679802, MONDO:0016248.
Hereditary cancer-predisposing syndrome. Also called: Hereditary Cancer Syndrome; Neoplastic Syndromes, Hereditary; Tumor predisposition; Hereditary neoplastic syndrome. Identifiers: Orphanet 140162, MedGen C0027672, MeSH D009386, MONDO:0015356.
Breast-ovarian cancer, familial, susceptibility to, 4. Identifiers: Orphanet 145, MedGen C3280345, MONDO:0013669, OMIM 614291.

gnomAD v4.1: 1 of 1,613,790 alleles (0.000062%); highest among the groups gnomAD compares: Non-Finnish European, 0.000085%; no homozygotes.

Submissions (4):

Labcorp Genetics (formerly Invitae), Labcorp
Classification: Uncertain significance for Breast-ovarian cancer, familial, susceptibility to, 4. Last evaluated: 2025-08-27. Review status: criteria provided, single submitter. Criteria: Invitae Variant Classification Sherloc (09022015). Collection method: clinical testing. Allele origin: germline.
Comment: This sequence change replaces serine, which is neutral and polar, with isoleucine, which is neutral and non-polar, at codon 320 of the RAD51D protein (p.Ser320Ile). This variant is present in population databases (rs763683070, gnomAD 0.0009%). This variant has not been reported in the literature in individuals affected with RAD51D-related conditions. ClinVar contains an entry for this variant (Variation ID: 480539). An algorithm developed to predict the effect of missense changes on protein structure and function (PolyPhen-2) suggests that this variant is likely to be tolerated. In summary, the available evidence is currently insufficient to determine the role of this variant in disease. Therefore, it has been classified as a Variant of Uncertain Significance.

Ambry Genetics
Classification: Uncertain significance for Hereditary cancer-predisposing syndrome. Last evaluated: 2025-02-16. Review status: criteria provided, single submitter. Criteria: Ambry Variant Classification Scheme 2023. Collection method: clinical testing. Allele origin: germline.
Comment: The p.S320I variant (also known as c.959G>T), located in coding exon 10 of the RAD51D gene, results from a G to T substitution at nucleotide position 959. The serine at codon 320 is replaced by isoleucine, an amino acid with dissimilar properties. This variant was not reported in population based cohorts in the following databases: Database of Single Nucleotide Polymorphisms (dbSNP), NHLBI Exome Sequencing Project (ESP), and 1000 Genomes Project. In the ESP, this variant was not observed in 6503 samples (13006 alleles) with coverage at this position. To date, this alteration has been detected with an allele frequency of approximately 0.001% (greater than 175000 alleles tested) in our clinical cohort. This amino acid position is not well conserved in available vertebrate species. In addition, this alteration is predicted to be tolerated by in silico analysis. Since supporting evidence is limited at this time, the clinical significance of this alteration remains unclear.

Molecular Pathology, Peter Maccallum Cancer Centre
Classification: Uncertain significance for Familial ovarian cancer. Last evaluated: 2024-07-23. Review status: criteria provided, single submitter. Criteria: ACMG Guidelines, 2015. Collection method: clinical testing. Allele origin: germline. Inheritance: Autosomal dominant inheritance.

Baylor Genetics
Classification: Uncertain significance for Breast-ovarian cancer, familial, susceptibility to, 4. Last evaluated: 2023-07-29. Review status: criteria provided, single submitter. Criteria: ACMG Guidelines, 2015. Collection method: clinical testing. Allele origin: unknown.